The following is an entry in ClinVar:

NM_032043.3(BRIP1):c.1373A>G (p.Glu458Gly)

Gene: BRIP1 (BRCA1 interacting DNA helicase 1; minus strand). Cytogenetic location: 17q23.2.
Variant type: single nucleotide variant.
Coding change: c.1373A>G on transcript NM_032043.3 (MANE Select); coding-DNA position 1373, A replaced by G.
Protein change: p.Glu458Gly; replaces glutamic acid 458 with glycine.
Molecular consequence: missense variant.
Genome position (GRCh38, 1-based): chr17:61,793,697, T>C on the plus strand (A>G on the coding strand, the complement: BRIP1 is on the minus strand). VCF-style: chr17-61793697-T-C. GRCh37 (hg19) VCF-style: chr17-59871058-T-C.
Other names: short protein forms E458G.
Identifiers: ClinVar variation 489809 (VCV000489809.18), dbSNP rs1555605942, ClinGen allele CA400482257.
Genomic context (GRCh38, chr17:61,793,697, plus strand): 5'-TGTAAAGTTAAGAGCATTTCATTTCCACTCCATATTTTACAAGCTGATTCATAATCTCTT[T>C]CTACAAGATATTCAGCGTTTGCTTCTAACCAACTGAAATAAAATAAAACAATTGTGTCAA-3'
Protein context (NP_114432.2, residues 448-468): WLEANAEYLV[Glu458Gly]RDYESACKIW

ClinVar aggregate classification (germline): Uncertain significance. Review status: criteria provided, multiple submitters, no conflicts (2 of 4 stars). 5 submissions from 5 submitters: Uncertain significance (5). Last evaluated 2025-11-05.

Conditions:
Hereditary cancer-predisposing syndrome. Also called: Tumor predisposition; Neoplastic Syndromes, Hereditary; Hereditary Cancer Syndrome; Hereditary neoplastic syndrome. Identifiers: Orphanet 140162, MedGen C0027672, MeSH D009386, MONDO:0015356.
Fanconi anemia complementation group J. Also called: BRIP1-Related Fanconi Anemia. Identifiers: Orphanet 84, MedGen C1836860, MONDO:0012187, OMIM 609054.
Familial cancer of breast. Also called: BREAST CANCER, FAMILIAL; hereditary breast carcinoma; Hereditary breast cancer. Identifiers: Orphanet 227535, MedGen C0346153, MONDO:0016419, OMIM 114480. Disease mechanism: loss of function.

Submissions (5):

Labcorp Genetics (formerly Invitae), Labcorp
Classification: Uncertain significance for Familial cancer of breast; Fanconi anemia complementation group J. Last evaluated: 2025-11-05. Review status: criteria provided, single submitter. Criteria: Invitae Variant Classification Sherloc (09022015). Collection method: clinical testing. Allele origin: germline.
Comment: This sequence change replaces glutamic acid, which is acidic and polar, with glycine, which is neutral and non-polar, at codon 458 of the BRIP1 protein (p.Glu458Gly). This variant is not present in population databases (gnomAD no frequency). This variant has not been reported in the literature in individuals affected with BRIP1-related conditions. ClinVar contains an entry for this variant (Variation ID: 489809). Invitae Evidence Modeling of protein sequence and biophysical properties (such as structural, functional, and spatial information, amino acid conservation, physicochemical variation, residue mobility, and thermodynamic stability) has been performed for this missense variant. However, the output from this modeling did not meet the statistical confidence thresholds required to predict the impact of this variant on BRIP1 protein function. In summary, the available evidence is currently insufficient to determine the role of this variant in disease. Therefore, it has been classified as a Variant of Uncertain Significance.

Ambry Genetics
Classification: Uncertain significance for Hereditary cancer-predisposing syndrome. Last evaluated: 2025-01-15. Review status: criteria provided, single submitter. Criteria: Ambry Variant Classification Scheme 2023. Collection method: clinical testing. Allele origin: germline.
Comment: The p.E458G variant (also known as c.1373A>G), located in coding exon 9 of the BRIP1 gene, results from an A to G substitution at nucleotide position 1373. The glutamic acid at codon 458 is replaced by glycine, an amino acid with similar properties. This variant was identified in 1/1528 breast cancer cases and 0/3733 unaffected controls (Dumont M et al. Cancers (Basel), 2022 Jul;14). This amino acid position is highly conserved in available vertebrate species. In addition, the in silico prediction for this alteration is inconclusive. Based on the available evidence, the clinical significance of this variant remains unclear.

GeneDx
Classification: Uncertain significance. Last evaluated: 2025-01-06. Review status: criteria provided, single submitter. Criteria: GeneDx Variant Classification Process June 2021. Collection method: clinical testing. Allele origin: germline. Affected: yes.
Comment: Not observed at significant frequency in large population cohorts (gnomAD); In silico analysis supports that this missense variant has a deleterious effect on protein structure/function; Has not been previously published as pathogenic or benign to our knowledge

Color Diagnostics, LLC DBA Color Health
Classification: Uncertain significance for Hereditary cancer-predisposing syndrome. Last evaluated: 2023-12-05. Review status: criteria provided, single submitter. Criteria: ACMG Guidelines, 2015. Collection method: clinical testing. Allele origin: germline.
Comment: This missense variant replaces glutamic acid with glycine at codon 458 of the BRIP1 protein. Computational prediction is inconclusive regarding the impact of this variant on protein structure and function (internally defined REVEL score threshold 0.5 < inconclusive < 0.7, PMID: 27666373). To our knowledge, functional studies have not been reported for this variant. This variant has not been reported in individuals affected with BRIP1-related disorders in the literature. This variant has not been identified in the general population by the Genome Aggregation Database (gnomAD). The available evidence is insufficient to determine the role of this variant in disease conclusively. Therefore, this variant is classified as a Variant of Uncertain Significance.

Baylor Genetics
Classification: Uncertain significance for Familial cancer of breast. Last evaluated: 2023-09-06. Review status: criteria provided, single submitter. Criteria: ACMG Guidelines, 2015. Collection method: clinical testing. Allele origin: unknown.

Literature cited by the submitters: PubMed 35884425 (cited by Ambry Genetics).